The following is an entry in ClinVar:

ClinVar aggregate classification (germline): Uncertain significance. Review status: criteria provided, multiple submitters, no conflicts (2 of 4 stars). 3 submissions from 3 submitters: Uncertain significance (3). Last evaluated 2024-11-08.

Conditions:
Inborn genetic diseases. Identifiers: MedGen C0950123, MeSH D030342.

Allele frequency attached by ClinVar (database versions not stated): ExAC 0.00003; gnomAD exomes 0.00003; TOPMed 0.00003; gnomAD 0.00004.
gnomAD v4.1: 55 of 1,610,382 alleles (0.0034%); highest among the groups gnomAD compares: African/African-American, 0.013%; no homozygotes.

Submissions (3):

Blueprint Genetics
Classification: Uncertain significance. Last evaluated: 2024-11-08. Review status: criteria provided, single submitter. Criteria: ACMG Guidelines, 2015. Collection method: clinical testing. Allele origin: germline.

Labcorp Genetics (formerly Invitae), Labcorp
Classification: Uncertain significance. Last evaluated: 2022-09-01. Review status: criteria provided, single submitter. Criteria: Invitae Variant Classification Sherloc (09022015). Collection method: clinical testing. Allele origin: germline.
Comment: This sequence change replaces arginine, which is basic and polar, with histidine, which is basic and polar, at codon 180 of the CABP4 protein (p.Arg180His). This variant is present in population databases (rs779384386, gnomAD 0.02%). This variant has not been reported in the literature in individuals affected with CABP4-related conditions. ClinVar contains an entry for this variant (Variation ID: 838667). Algorithms developed to predict the effect of missense changes on protein structure and function (SIFT, PolyPhen-2, Align-GVGD) all suggest that this variant is likely to be tolerated. In summary, the available evidence is currently insufficient to determine the role of this variant in disease. Therefore, it has been classified as a Variant of Uncertain Significance.

Ambry Genetics
Classification: Uncertain significance for Inborn genetic diseases. Last evaluated: 2021-06-21. Review status: criteria provided, single submitter. Criteria: Ambry Variant Classification Scheme 2023. Collection method: clinical testing. Allele origin: germline.

NM_145200.5(CABP4):c.539G>A (p.Arg180His)

Gene: CABP4 (calcium binding protein 4; plus strand). Cytogenetic location: 11q13.2.
Variant type: single nucleotide variant.
Coding change: c.539G>A on transcript NM_145200.5 (MANE Select); coding-DNA position 539, G replaced by A.
Protein change: p.Arg180His; replaces arginine 180 with histidine.
Molecular consequence: missense variant.
Genome position (GRCh38, 1-based): chr11:67,456,440, G>A. VCF-style: chr11-67456440-G-A. GRCh37 (hg19) VCF-style: chr11-67223911-G-A.
Other names: c.224G>A, p.Arg75His (NM_001300895.3, NM_001300896.3, NM_001379183.1); short protein forms R180H, R75H.
Identifiers: ClinVar variation 838667 (VCV000838667.8), dbSNP rs779384386, ClinGen allele CA6140247.
Genomic context (GRCh38, chr11:67,456,440, plus strand): 5'-CCCTGGGCTACATGCCCACCGAGATGGAGCTCCTGGAGGTCTCGCAGCACATCAAGATGC[G>A]CAGTCAGTCAGGGAGCCCGCCCGCCCGGGCAGCCTGCGTAGTTCAGGGGGTCACGAGGGG-3'
Protein context (NP_660201.1, residues 170-190): LLEVSQHIKM[Arg180His]MGGRVDFEEF